The following is an entry in ClinVar:

ClinVar aggregate classification (germline): Uncertain significance. Review status: criteria provided, multiple submitters, no conflicts (2 of 4 stars). 3 submissions from 3 submitters: Uncertain significance (3). Last evaluated 2024-03-27.

Conditions:
Inborn genetic diseases. Identifiers: MedGen C0950123, MeSH D030342.
Myopathy, proximal, and ophthalmoplegia (CMYO6). Also called: MYOPATHY WITH CONGENITAL JOINT CONTRACTURES, OPHTHALMOPLEGIA, AND RIMMED VACUOLES; INCLUSION BODY MYOPATHY 3, AUTOSOMAL DOMINANT; CONGENITAL MYOPATHY 6 WITH OPHTHALMOPLEGIA. Identifiers: Orphanet 363677, Orphanet 79091, MedGen C1854106, MONDO:0011577, OMIM 605637.

Allele frequency attached by ClinVar (database versions not stated): gnomAD exomes 0.00004 and 0.00008; gnomAD 0.00006; ExAC 0.00007; TOPMed 0.00007; ESP Exome Variant Server 0.00008.

Submissions (3):

Ambry Genetics
Classification: Uncertain significance for Inborn genetic diseases. Last evaluated: 2024-03-27. Review status: criteria provided, single submitter. Criteria: Ambry Variant Classification Scheme 2023. Collection method: clinical testing. Allele origin: germline.

Revvity Omics, Revvity
Classification: Uncertain significance for Myopathy, proximal, and ophthalmoplegia. Last evaluated: 2023-08-24. Review status: criteria provided, single submitter. Criteria: ACMG Guidelines, 2015. Collection method: clinical testing. Allele origin: germline.

Labcorp Genetics (formerly Invitae), Labcorp
Classification: Uncertain significance for Myopathy, proximal, and ophthalmoplegia. Last evaluated: 2023-05-21. Review status: criteria provided, single submitter. Criteria: Invitae Variant Classification Sherloc (09022015). Collection method: clinical testing. Allele origin: germline.
Comment: Advanced modeling of protein sequence and biophysical properties (such as structural, functional, and spatial information, amino acid conservation, physicochemical variation, residue mobility, and thermodynamic stability) performed at Invitae indicates that this missense variant is not expected to disrupt MYH2 protein function. ClinVar contains an entry for this variant (Variation ID: 1018984). This variant has not been reported in the literature in individuals affected with MYH2-related conditions. This variant is present in population databases (rs143809867, gnomAD 0.008%). This sequence change replaces isoleucine, which is neutral and non-polar, with threonine, which is neutral and polar, at codon 1234 of the MYH2 protein (p.Ile1234Thr). In summary, the available evidence is currently insufficient to determine the role of this variant in disease. Therefore, it has been classified as a Variant of Uncertain Significance.

NM_017534.6(MYH2):c.3701T>C (p.Ile1234Thr)

Genes: MYHAS (myosin heavy chain gene cluster antisense RNA; plus strand), MYH2 (myosin heavy chain 2; minus strand). Cytogenetic location: 17p13.1.
Variant type: single nucleotide variant.
Coding change: c.3701T>C on transcript NM_017534.6 (MANE Select); coding-DNA position 3701, T replaced by C.
Protein change: p.Ile1234Thr; replaces isoleucine 1234 with threonine.
Molecular consequence: missense variant.
Genome position (GRCh38, 1-based): chr17:10,528,733, A>G on the plus strand (T>C on the coding strand, the complement: MYH2 is on the minus strand). VCF-style: chr17-10528733-A-G. GRCh37 (hg19) VCF-style: chr17-10432050-A-G.
Other names: c.3701T>C, p.Ile1234Thr (NM_001100112.2); c.3701T>C (NM_017534.5); short protein forms I1234T.
Identifiers: ClinVar variation 1018984 (VCV001018984.8), dbSNP rs143809867, ClinGen allele CA8390841.